The following is an entry in ClinVar:

ClinVar aggregate classification (germline): Likely benign. Review status: criteria provided, multiple submitters, no conflicts (2 of 4 stars). 2 submissions from 2 submitters: Likely benign (2). Last evaluated 2026-08-17.

Conditions:
DICER1-related tumor predisposition. Also called: DICER1-related pleuropulmonary blastoma cancer predisposition syndrome; DICER1 syndrome. Identifiers: Orphanet 284343, MedGen C3839822, MONDO:0100216.

Submissions (2):

Myriad Genetics, Inc.
Classification: Likely benign for DICER1-related tumor predisposition. Last evaluated: 2026-08-17. Review status: criteria provided, single submitter. Criteria: Myriad Autosomal Dominant, Autosomal Recessive and X-Linked Classification Criteria (2023). Collection method: clinical testing. Allele origin: unknown.
Comment: This variant is considered likely benign. This variant is intronic and is not expected to impact mRNA splicing.

Labcorp Genetics (formerly Invitae), Labcorp
Classification: Likely benign for DICER1-related tumor predisposition. Last evaluated: 2024-11-18. Review status: criteria provided, single submitter. Criteria: Invitae Variant Classification Sherloc (09022015). Collection method: clinical testing. Allele origin: germline.

NM_177438.3(DICER1):c.3093+10T>C

Gene: DICER1 (dicer 1, ribonuclease III; minus strand). Cytogenetic location: 14q32.13.
Variant type: single nucleotide variant.
Coding change: c.3093+10T>C on transcript NM_177438.3 (MANE Select); 10 bases into the intron after coding-DNA position 3093, T replaced by C.
Molecular consequence: intron variant.
Genome position (GRCh38, 1-based): chr14:95,105,668, A>G on the plus strand (T>C on the coding strand, the complement: DICER1 is on the minus strand). VCF-style: chr14-95105668-A-G. GRCh37 (hg19) VCF-style: chr14-95572005-A-G.
Other names: c.3093+10T>C (NM_001291628.2, NM_030621.4, NM_001395677.1 and 12 more transcripts); c.2688+10T>C (NM_001395690.1, NM_001395687.1, NM_001395689.1 and 2 more transcripts); c.2811+10T>C (NM_001395686.1); c.2526+10T>C (NM_001395691.1); c.1410+10T>C (NM_001395697.1).
Identifiers: ClinVar variation 3692259 (VCV003692259.3).
Genomic context (GRCh38, chr14:95,105,668, plus strand): 5'-CAAACTTATCTTTAATAATCTTTAATACTCAAACAAATACTAAGTTATGCTAGTACAATT[A>G]ACTCATTACCTGTTTATTCTGCAGACTTTCCCATTTGGCTTTCCTCTTCTCAGCACTGCT-3'